The following continues an entry in ClinVar:

NM_003000.3(SDHB):c.137G>A (p.Arg46Gln)

Gene: SDHB. ClinVar aggregate classification (germline): Pathogenic/Likely pathogenic. Pathogenic (22); Likely pathogenic (2).

Submissions 8 to 21 of 26:

Institute for Genomic Medicine (IGM) Clinical Laboratory, Nationwide Children's Hospital
Classification: Pathogenic for Pheochromocytoma/paraganglioma syndrome 4. Last evaluated: 2025-03-12. Review status: criteria provided, single submitter. Criteria: ACMG Guidelines, 2015. Collection method: clinical testing. Allele origin: germline.
Comment: Well-established functional studies have demonstrated this variant to have a damaging effect on protein function or splicing (ACMG/AMP: PS3; PMIDs:22835832, 25972245, 26719882, 28738844). This variant has been reported at an elevated frequency in affected individuals/in multiple affected individuals in the literature (ACMG/AMP: PS4; PMIDs:12364472, 12618761, 14500403, 15328326, 16317055, 23083876, 23282968). This variant is absent from or present at an exceedingly low frequency in gnomAD, a large-scale control population database (ACMG/AMP: PM2). A different substitution at this amino acid position has been reported as pathogenic (ACMG/AMP: PM5). This variant is predicted to alter protein function or structure, or disrupt splicing by multiple in silico tools (ACMG/AMP: PP3).

Color Diagnostics, LLC DBA Color Health
Classification: Pathogenic for Hereditary pheochromocytoma and paraganglioma. Last evaluated: 2024-09-16. Review status: criteria provided, single submitter. Criteria: ACMG Guidelines, 2015. Collection method: clinical testing. Allele origin: germline.
Comment: This missense variant replaces arginine with glutamine at codon 46 of the SDHB protein. Computational prediction suggests that this variant may have deleterious impact on protein structure and function (internally defined REVEL score threshold >= 0.7, PMID: 27666373). Functional studies have shown that this variant results in decreased mitochondrial expression, decreased succinate dehydrogenase activity, and reduced interaction with SDHA and SDHAF3 (PMID: 22835832, 23175444, 24606901, 25972245, 26719882, 28738844). This variant has been reported in numerous individuals affected with paraganglioma and/or pheochromocytoma (PMID: 12364472, 12618761, 14500403, 15328326, 16314641, 16317055, 17102082, 18362451, 18840642, 23512077, 24102379, 24659481, 28374168, 28503760, 29386252, 29951630, 31492822, 32741965, 34439168), and observed in individuals affected with gastrointestinal stromal tumors (GIST; PMID: 23282968), renal cell carcinoma (RCC; PMID: 23083876) and gastric adenocarcinoma (PMID: 32963463). This variant has been identified in 1/251358 chromosomes in the general population by the Genome Aggregation Database (gnomAD). Based on the available evidence, this variant is classified as Pathogenic.

All of Us Research Program, National Institutes of Health
Classification: Pathogenic for Hereditary pheochromocytoma and paraganglioma. Last evaluated: 2024-03-24. Review status: criteria provided, single submitter. Criteria: ACMG Guidelines, 2015. Collection method: clinical testing. Allele origin: germline. Inheritance: Autosomal dominant inheritance. Observed: 3 variant alleles, 3 heterozygotes.
Comment: This missense variant replaces arginine with glutamine at codon 46 of the SDHB protein. Computational prediction suggests that this variant may have deleterious impact on protein structure and function (internally defined REVEL score threshold >= 0.7, PMID: 27666373). Functional studies have shown that this variant results in decreased mitochondrial expression, decreased succinate dehydrogenase activity, and reduced interaction with SDHA and SDHAF3 (PMID: 22835832, 23175444, 24606901, 25972245, 26719882, 28738844). This variant has been reported in numerous individuals affected with paraganglioma and/or pheochromocytoma (PMID: 12364472, 12618761, 14500403, 15328326, 16314641, 16317055, 17102082, 18362451, 18840642, 23512077, 24102379, 24659481, 28374168, 28503760, 29386252, 29951630, 31492822, 32741965, 34439168), and observed in individuals affected with gastrointestinal stromal tumors (GIST; PMID: 23282968), renal cell carcinoma (RCC; PMID: 23083876) and gastric adenocarcinoma (PMID: 32963463). This variant has been identified in 1/251358 chromosomes in the general population by the Genome Aggregation Database (gnomAD). Based on the available evidence, this variant is classified as Pathogenic.

This study involves interpretation of variants in research participants for the purpose of population health screening. Participant phenotype was not available at the time of variant classification. Additional details can be found in publication PMID: 35346344, PMCID: PMC8962531

Baylor Genetics
Classification: Pathogenic for Gastrointestinal stromal tumor. Last evaluated: 2023-11-08. Review status: criteria provided, single submitter. Criteria: ACMG Guidelines, 2015. Collection method: clinical testing. Allele origin: unknown.

Mayo Clinic Laboratories, Mayo Clinic
Classification: Pathogenic. Last evaluated: 2023-08-16. Review status: criteria provided, single submitter. Criteria: ACMG Guidelines, 2015. Collection method: clinical testing. Allele origin: germline. Observed: 2 variant alleles.
Comment: PP1_strong, PP4, PM2_moderate, PS3_supporting, PS4_moderate

Blueprint Genetics
Classification: Pathogenic for SDHB-related disorders. Last evaluated: 2023-04-25. Review status: criteria provided, single submitter. Criteria: ACMG Guidelines, 2015. Collection method: clinical testing. Allele origin: germline. Affected: yes. Observed: 4 variant alleles.

Myriad Genetics, Inc.
Classification: Pathogenic for Pheochromocytoma/paraganglioma syndrome 4. Last evaluated: 2023-04-24. Review status: criteria provided, single submitter. Criteria: Myriad Autosomal Dominant, Autosomal Recessive and X-Linked Classification Criteria (2023). Collection method: clinical testing. Allele origin: unknown.
Comment: This variant is considered pathogenic. Functional studies indicate this variant impacts protein function [PMID: 22677546, 26719882, 25972245]. This variant is expected to disrupt protein structure [Myriad internal data]. This variant has been reported in multiple individuals with clinical features of gene-specific disease [PMID: 12618761, 28374168, 23512077, 34439168].

Department of Pathology and Laboratory Medicine, Sinai Health System
Classification: Pathogenic for Pheochromocytoma/paraganglioma syndrome 4; Gastrointestinal stromal tumor; Carney-Stratakis syndrome; Mitochondrial complex 2 deficiency, nuclear type 4. Last evaluated: 2022-04-26. Review status: criteria provided, single submitter. Criteria: ACMG Guidelines, 2015. Collection method: clinical testing. Allele origin: germline.

CeGaT Center for Human Genetics Tuebingen
Classification: Pathogenic. Last evaluated: 2022-01-01. Review status: criteria provided, single submitter. Criteria: CeGaT Center For Human Genetics Tuebingen Variant Classification Criteria Version 2. Collection method: clinical testing. Allele origin: germline. Affected: yes. Observed: 1 variant allele.

GeneDx
Classification: Pathogenic. Last evaluated: 2021-03-08. Review status: criteria provided, single submitter. Criteria: GeneDx Variant Classification Process June 2021. Collection method: clinical testing. Allele origin: germline. Affected: yes.
Comment: Published functional studies demonstrate a damaging effect: reduced protein stability, decreased succinate dehydrogenase activity, and increased hypoxia-inducible factors (Giminez-Roqueplo et al., 2002; Yang et al., 2012; Saxena et al., 2015); In silico analysis supports that this missense variant has a deleterious effect on protein structure/function; Not observed at a significant frequency in large population cohorts (Lek et al., 2016); This variant is associated with the following publications: (PMID: 18728283, 23083876, 15987702, 24659481, 28738844, 24102379, 31447099, 12364472, 26464466, 15476441, 22835832, 19454582, 12618761, 16317055, 17102082, 23512077, 14500403, 23282968, 23175444, 19522823, 18362451, 18840642, 19576851, 16314641, 26719882, 28374168, 27700540, 25972245, 28503760, 28944243, 29386252, 28152038, 29951630, 30487145, 30877234, 28490599, 30122538, 30694796, 31492822, 32741965)

Laboratory for Molecular Medicine, Mass General Brigham Personalized Medicine
Classification: Pathogenic for Hereditary pheochromocytoma and paraganglioma. Last evaluated: 2020-04-29. Review status: criteria provided, single submitter. Criteria: ACMG Guidelines, 2015. Collection method: clinical testing. Allele origin: germline. Inheritance: Autosomal dominant inheritance.
Comment: proposed classification - variant undergoing re-assessment, contact laboratory

Beijing Key Laboratry for Genetics of Birth Defects, Beijing Children's Hospital
Classification: Pathogenic for Pheochromocytoma. Last evaluated: 2020-02-28. Review status: criteria provided, single submitter. Criteria: ACMG Guidelines, 2015. Collection method: clinical testing. Allele origin: germline. Affected: yes. Observed: 1 variant allele.

Fulgent Genetics
Classification: Pathogenic for Pheochromocytoma/paraganglioma syndrome 4; Pheochromocytoma; Carney-Stratakis syndrome. Last evaluated: 2018-10-31. Review status: criteria provided, single submitter. Criteria: ACMG Guidelines, 2015. Collection method: clinical testing. Allele origin: unknown.

HudsonAlpha Institute for Biotechnology
Classification: Pathogenic for Pheochromocytoma/paraganglioma syndrome 4. Last evaluated: 2018-08-09. Review status: criteria provided, single submitter. Criteria: ACMG Guidelines, 2015. Collection method: research. Allele origin: unknown. Observed: 1 variant allele. Study: AGHI_GT.